The following is an entry in ClinVar:

NM_152564.5(VPS13B):c.232C>A (p.Pro78Thr)

Gene: VPS13B (vacuolar protein sorting 13 homolog B; plus strand). Cytogenetic location: 8q22.2.
Variant type: single nucleotide variant.
Coding change: c.232C>A on transcript NM_152564.5 (MANE Select); coding-DNA position 232, C replaced by A.
Protein change: p.Pro78Thr; replaces proline 78 with threonine.
Molecular consequence: missense variant. On other transcripts: non-coding transcript variant (1).
Genome position (GRCh38, 1-based): chr8:99,038,507, C>A. VCF-style: chr8-99038507-C-A. GRCh37 (hg19) VCF-style: chr8-100050735-C-A.
Other names: c.232C>A, p.Pro78Thr (NM_017890.5, NM_015243.3, NM_181661.3); short protein forms P78T.
Identifiers: ClinVar variation 650309 (VCV000650309.7), dbSNP rs954707371, ClinGen allele CA371859775.

ClinVar aggregate classification (germline): Uncertain significance (1 of 4 stars; one submission).

Conditions:
Cohen syndrome (COH1). Also called: PEPPER SYNDROME; Cutis verticis gyrata, retinitis pigmentosa, and sensorineural deafness. Identifiers: Orphanet 193, MedGen C0265223, MONDO:0008999, OMIM 216550.

Allele frequency attached by ClinVar (database versions not stated): gnomAD exomes below 0.00001.
gnomAD v4.1: 1 of 1,612,518 alleles (0.000062%); highest among the groups gnomAD compares: Non-Finnish European, 0.000085%; no homozygotes.

Submission:

Labcorp Genetics (formerly Invitae), Labcorp
Classification: Uncertain significance for Cohen syndrome. Last evaluated: 2018-09-10. Review status: criteria provided, single submitter. Criteria: Invitae Variant Classification Sherloc (09022015). Collection method: clinical testing. Allele origin: germline.
Comment: This variant has not been reported in the literature in individuals with VPS13B-related disease. Algorithms developed to predict the effect of missense changes on protein structure and function are either unavailable or do not agree on the potential impact of this missense change (SIFT: "Deleterious"; PolyPhen-2: "Probably Damaging"; Align-GVGD: "Class C0"). In summary, the available evidence is currently insufficient to determine the role of this variant in disease. Therefore, it has been classified as a Variant of Uncertain Significance. This variant is not present in population databases (ExAC no frequency). This sequence change replaces proline with threonine at codon 78 of the VPS13B protein (p.Pro78Thr). The proline residue is moderately conserved and there is a small physicochemical difference between proline and threonine.